The following is an entry in ClinVar:

NM_007198.4(PLPBP):c.11C>T (p.Ala4Val)

Genes: PLPBP (pyridoxal phosphate binding protein; plus strand), LOC113788277 (Sharpr-MPRA regulatory region 13802; plus strand). Cytogenetic location: 8p11.23.
Variant type: single nucleotide variant.
Coding change: c.11C>T on transcript NM_007198.4 (MANE Select); coding-DNA position 11, C replaced by T.
Protein change: p.Ala4Val; replaces alanine 4 with valine.
Molecular consequence: missense variant. On other transcripts: 5 prime UTR variant (1).
Genome position (GRCh38, 1-based): chr8:37,762,670, C>T. VCF-style: chr8-37762670-C-T. GRCh37 (hg19) VCF-style: chr8-37620188-C-T.
Other names: c.11C>T, p.Ala4Val (NM_001349346.2, NM_001349347.2); c.-88C>T (NM_001349348.2); c.116C>T, p.Ala39Val (NM_001349349.1); short protein forms A39V, A4V.
Identifiers: ClinVar variation 1925555 (VCV001925555.5), dbSNP rs1354245328, ClinGen allele CA370665570.

ClinVar aggregate classification (germline): Uncertain significance (1 of 4 stars; one submission).

gnomAD v4.1: 9 of 1,584,100 alleles (0.00057%); highest among the groups gnomAD compares: South Asian, 0.0034%; no homozygotes.

Submission:

Labcorp Genetics (formerly Invitae), Labcorp
Classification: Uncertain significance. Last evaluated: 2024-02-05. Review status: criteria provided, single submitter. Criteria: Invitae Variant Classification Sherloc (09022015). Collection method: clinical testing. Allele origin: germline.
Comment: This sequence change replaces alanine, which is neutral and non-polar, with valine, which is neutral and non-polar, at codon 4 of the PROSC protein (p.Ala4Val). The frequency data for this variant in the population databases is considered unreliable, as metrics indicate poor data quality at this position in the gnomAD database. This variant has not been reported in the literature in individuals affected with PROSC-related conditions. ClinVar contains an entry for this variant (Variation ID: 1925555). Algorithms developed to predict the effect of missense changes on protein structure and function output the following: SIFT: "Not Available"; PolyPhen-2: "Benign"; Align-GVGD: "Not Available". The valine amino acid residue is found in multiple mammalian species, which suggests that this missense change does not adversely affect protein function. In summary, the available evidence is currently insufficient to determine the role of this variant in disease. Therefore, it has been classified as a Variant of Uncertain Significance.